The following is an entry in ClinVar:

NM_000218.3(KCNQ1):c.1176G>A (p.Trp392Ter)

Gene: KCNQ1 (potassium voltage-gated channel subfamily Q member 1; plus strand). Cytogenetic location: 11p15.5.
Variant type: single nucleotide variant.
Coding change: c.1176G>A on transcript NM_000218.3 (MANE Select); coding-DNA position 1176, G replaced by A.
Protein change: p.Trp392Ter; replaces tryptophan 392 with a stop codon.
Molecular consequence: nonsense.
Genome position (GRCh38, 1-based): chr11:2,587,617, G>A. VCF-style: chr11-2587617-G-A. GRCh37 (hg19) VCF-style: chr11-2608847-G-A.
Other names: p.W392*:TGG>TGA; c.1080G>A, p.Trp360Ter (NM_001406836.1); c.906G>A, p.Trp302Ter (NM_001406837.1); c.636G>A, p.Trp212Ter (NM_001406838.1); c.795G>A, p.Trp265Ter (NM_181798.2); short protein forms W265*, W392*, W212*, W302*, W360*.
Identifiers: ClinVar variation 200902 (VCV000200902.19), dbSNP rs794728572, ClinGen allele CA005462.

ClinVar aggregate classification (germline): Pathogenic. Review status: criteria provided, multiple submitters, no conflicts (2 of 4 stars). 2 submissions from 2 submitters: Pathogenic (2). Last evaluated 2025-08-11.

Conditions:
Cardiac arrhythmia. Also called: Arrhythmia; Cardiac rhythm disease. Identifiers: MedGen C0003811, MONDO:0007263, HP:0011675.

Submissions (2):

Color Diagnostics, LLC DBA Color Health
Classification: Pathogenic for Cardiac arrhythmia. Last evaluated: 2025-08-11. Review status: criteria provided, single submitter. Criteria: ACMG Guidelines, 2015. Collection method: clinical testing. Allele origin: germline.
Comment: This variant changes 1 nucleotide in exon 9 of the KCNQ1 gene, creating a premature translation stop signal (c.1176G>A, p.Trp392*). This variant is expected to result in an absent or non-functional protein product. To our knowledge, this variant has not been reported in individuals affected with cardiovascular disorders in the literature. However, a different nucleotide change (c.1175G>A) resulting in the same protein consequence has been observed in either homozygous or compound heterozygous state in four individuals affected with Jervell and Lange-Nielsen syndrome (PMID: 32383558, 32830254), or severe long QT syndrome without hearing loss (PMID: 28606196, doi:10.1016/j.hrcr.2022.07.007). KCNQ1 p.Trp392* variant with unspecified cDNA position has been reported in a biallelic individual affected with severe long QT syndrome (PMID: 23392653). Heterozygous family members of these affected individuals have been reported to be asymptomatic with QTc in the normal range. This variant has not been identified in the general population by the Genome Aggregation Database (gnomAD). Loss of KCNQ1 function is a known mechanism of disease. Based on the available evidence, this variant is classified as Pathogenic.

GeneDx
Classification: Pathogenic. Last evaluated: 2022-06-28. Review status: criteria provided, single submitter. Criteria: GeneDx Variant Classification Process June 2021. Collection method: clinical testing. Allele origin: germline. Affected: yes.
Comment: Reported in at least one individual with LQTS who harbored a second KCNQ1 variant in trans (Robinson et al., 2015); Not observed at significant frequency in large population cohorts (gnomAD); Nonsense variant predicted to result in protein truncation or nonsense mediated decay in a gene for which loss of function is a known mechanism of disease; This variant is associated with the following publications: (PMID: 25576780, 25916402)

Literature cited by the submitters: PubMed 23392653 (cited by Color Diagnostics, LLC DBA Color Health); PubMed 28606196 (cited by Color Diagnostics, LLC DBA Color Health); PubMed 32383558 (cited by Color Diagnostics, LLC DBA Color Health); PubMed 32830254 (cited by Color Diagnostics, LLC DBA Color Health).